The following is an entry in ClinVar:

NM_004260.4(RECQL4):c.3380C>T (p.Pro1127Leu)

Gene: RECQL4 (RecQ like helicase 4; minus strand). Cytogenetic location: 8q24.3.
Variant type: single nucleotide variant.
Coding change: c.3380C>T on transcript NM_004260.4 (MANE Select); coding-DNA position 3380, C replaced by T.
Protein change: p.Pro1127Leu; replaces proline 1127 with leucine.
Molecular consequence: missense variant.
Genome position (GRCh38, 1-based): chr8:144,511,924, G>A on the plus strand (C>T on the coding strand, the complement: RECQL4 is on the minus strand). VCF-style: chr8-144511924-G-A. GRCh37 (hg19) VCF-style: chr8-145737307-G-A.
Other names: short protein forms P1127L.
Identifiers: ClinVar variation 1061698 (VCV001061698.10), dbSNP rs1827286027, ClinGen allele CA372668012.

ClinVar aggregate classification (germline): Uncertain significance. Review status: criteria provided, multiple submitters, no conflicts (2 of 4 stars). 3 submissions from 3 submitters: Uncertain significance (3). Last evaluated 2025-08-17.

Conditions:
RECQL4-related disorder. Also called: RECQL4-related condition; RECQL4-related disorders.
Inborn genetic diseases. Identifiers: MedGen C0950123, MeSH D030342.
Baller-Gerold syndrome (BGS). Also called: CRANIOSYNOSTOSIS WITH RADIAL DEFECTS. Identifiers: Orphanet 1225, MedGen C0265308, MONDO:0009039, OMIM 218600.

Allele frequency attached by ClinVar (database versions not stated): gnomAD exomes below 0.00001; TOPMed 0.00001.
gnomAD v4.1: 7 of 1,611,038 alleles (0.00043%); highest among the groups gnomAD compares: Middle Eastern, 0.05%; no homozygotes.

Submissions (3):

Labcorp Genetics (formerly Invitae), Labcorp
Classification: Uncertain significance for Baller-Gerold syndrome. Last evaluated: 2025-08-17. Review status: criteria provided, single submitter. Criteria: Invitae Variant Classification Sherloc (09022015). Collection method: clinical testing. Allele origin: germline.
Comment: This sequence change replaces proline, which is neutral and non-polar, with leucine, which is neutral and non-polar, at codon 1127 of the RECQL4 protein (p.Pro1127Leu). This variant is not present in population databases (gnomAD no frequency). This variant has not been reported in the literature in individuals affected with RECQL4-related conditions. ClinVar contains an entry for this variant (Variation ID: 1061698). Invitae Evidence Modeling of protein sequence and biophysical properties (such as structural, functional, and spatial information, amino acid conservation, physicochemical variation, residue mobility, and thermodynamic stability) indicates that this missense variant is not expected to disrupt RECQL4 protein function with a negative predictive value of 80%. In summary, the available evidence is currently insufficient to determine the role of this variant in disease. Therefore, it has been classified as a Variant of Uncertain Significance.

Ambry Genetics
Classification: Uncertain significance for Inborn genetic diseases. Last evaluated: 2025-06-06. Review status: criteria provided, single submitter. Criteria: Ambry Variant Classification Scheme 2023. Collection method: clinical testing. Allele origin: germline.

PreventionGenetics, part of Exact Sciences
Classification: Uncertain significance for RECQL4-related condition. Last evaluated: 2023-05-04. Review status: criteria provided, single submitter. Criteria: ACMG Guidelines, 2015. Collection method: clinical testing. Allele origin: germline.
Comment: The RECQL4 c.3380C>T variant is predicted to result in the amino acid substitution p.Pro1127Leu. To our knowledge, this variant has not been reported in the literature or in a large population database, indicating this variant is rare. At this time, the clinical significance of this variant is uncertain due to the absence of conclusive functional and genetic evidence.